The following is an entry in ClinVar:

ClinVar aggregate classification (germline): Likely benign (0 of 4 stars; one submission).

Conditions:
ARFGAP2-related disorder. Also called: ARFGAP2-related condition.

Allele frequency attached by ClinVar (database versions not stated): 1000 Genomes Project 0.00020; 1000 Genomes Project 30x 0.00031; TOPMed 0.00078; ExAC 0.00080; gnomAD 0.00091; ESP Exome Variant Server 0.00100; gnomAD exomes 0.00139.
gnomAD v4.1: 2,131 of 1,614,116 alleles (0.13%); highest among the groups gnomAD compares: Non-Finnish European, 0.17%; 2 homozygotes.

Submission:

PreventionGenetics, part of Exact Sciences
Classification: Likely benign for ARFGAP2-related condition. Last evaluated: 2019-10-28. Review status: no assertion criteria provided. Collection method: clinical testing. Allele origin: germline.
Comment: This variant is classified as likely benign based on ACMG/AMP sequence variant interpretation guidelines (Richards et al. 2015 PMID: 25741868, with internal and published modifications).

NM_032389.6(ARFGAP2):c.396+7G>A

Gene: ARFGAP2 (ARF GTPase activating protein 2; minus strand). Cytogenetic location: 11p11.2.
Variant type: single nucleotide variant.
Coding change: c.396+7G>A on transcript NM_032389.6 (MANE Select); 7 bases into the intron after coding-DNA position 396, G replaced by A.
Molecular consequence: intron variant.
Genome position (GRCh38, 1-based): chr11:47,175,175, C>T on the plus strand (G>A on the coding strand, the complement: ARFGAP2 is on the minus strand). VCF-style: chr11-47175175-C-T. GRCh37 (hg19) VCF-style: chr11-47196726-C-T.
Other names: c.396+7G>A (NM_001242832.2, NM_001410995.1).
Identifiers: ClinVar variation 3050274 (VCV003050274.2), dbSNP rs201392297, ClinGen allele CA5971677.